The following is an entry in ClinVar:

ClinVar aggregate classification (germline): Uncertain significance (1 of 4 stars; one submission).

Conditions:
Lowe syndrome (OCRL). Also called: LOWE OCULOCEREBRORENAL SYNDROME; PHOSPHATIDYLINOSITOL 4,5-BISPHOSPHATE 5-PHOSPHATASE DEFICIENCY; Oculocerebrorenal Syndrome. Identifiers: Orphanet 534, MedGen C0028860, MONDO:0010645, OMIM 309000.

Allele frequency attached by ClinVar (database versions not stated): gnomAD exomes below 0.00001.
gnomAD v4.1: 3 of 1,210,496 alleles (0.00025%); highest among the groups gnomAD compares: South Asian, 0.0035%; no homozygotes.

Submission:

Labcorp Genetics (formerly Invitae), Labcorp
Classification: Uncertain significance for Lowe syndrome. Last evaluated: 2024-02-08. Review status: criteria provided, single submitter. Criteria: Invitae Variant Classification Sherloc (09022015). Collection method: clinical testing. Allele origin: germline.
Comment: This sequence change replaces asparagine, which is neutral and polar, with serine, which is neutral and polar, at codon 874 of the OCRL protein (p.Asn874Ser). This variant is not present in population databases (gnomAD no frequency). This variant has not been reported in the literature in individuals affected with OCRL-related conditions. Advanced modeling of protein sequence and biophysical properties (such as structural, functional, and spatial information, amino acid conservation, physicochemical variation, residue mobility, and thermodynamic stability) performed at Invitae indicates that this missense variant is not expected to disrupt OCRL protein function with a negative predictive value of 95%. In summary, the available evidence is currently insufficient to determine the role of this variant in disease. Therefore, it has been classified as a Variant of Uncertain Significance.

NM_000276.4(OCRL):c.2621A>G (p.Asn874Ser)

Gene: OCRL (OCRL inositol polyphosphate-5-phosphatase; plus strand). Cytogenetic location: Xq26.1.
Variant type: single nucleotide variant.
Coding change: c.2621A>G on transcript NM_000276.4 (MANE Select); coding-DNA position 2621, A replaced by G.
Protein change: p.Asn874Ser; replaces asparagine 874 with serine.
Molecular consequence: missense variant.
Genome position (GRCh38, 1-based): chrX:129,590,185, A>G. VCF-style: chrX-129590185-A-G. GRCh37 (hg19) VCF-style: chrX-128724162-A-G.
Other names: c.2624A>G, p.Asn875Ser (NM_001318784.2); c.2597A>G, p.Asn866Ser (NM_001587.4); short protein forms N875S, N866S, N874S.
Identifiers: ClinVar variation 2705783 (VCV002705783.3), dbSNP rs2521951298, ClinGen allele CA414633094.